The following is an entry in ClinVar:

NM_002734.5(PRKAR1A):c.797C>A (p.Thr266Lys)

Gene: PRKAR1A (protein kinase cAMP-dependent type I regulatory subunit alpha; plus strand). Cytogenetic location: 17q24.2.
Variant type: single nucleotide variant.
Coding change: c.797C>A on transcript NM_002734.5 (MANE Select); coding-DNA position 797, C replaced by A.
Protein change: p.Thr266Lys; replaces threonine 266 with lysine.
Molecular consequence: missense variant.
Genome position (GRCh38, 1-based): chr17:68,528,897, C>A. VCF-style: chr17-68528897-C-A. GRCh37 (hg19) VCF-style: chr17-66525038-C-A.
Other names: NC_000017.10:g.66525038C>A; c.797C>A, p.Thr266Lys (NM_001276289.2, NM_001276290.1, NM_001278433.2 and 4 more transcripts); short protein forms T266K.
Identifiers: ClinVar variation 1810073 (VCV001810073.2), dbSNP rs1329426125, ClinGen allele CA400753840.
Genomic context (GRCh38, chr17:68,528,897, plus strand): 5'-TACAGAGCAGTTATTTTGATTCTTGTCTTTCAGAGTCTCTGGACAAGTGGGAACGTCTTA[C>A]GGTAGCTGATGCATTGGAACCAGTGCAGTTTGAAGATGGGCAGAAGATTGTGGTGCAGGG-3'
Protein context (NP_002725.1, residues 256-276): LESLDKWERL[Thr266Lys]VADALEPVQF

ClinVar aggregate classification (germline): Uncertain significance (1 of 4 stars; one submission).

Submissions (2):

GeneDx
Classification: Uncertain significance. Last evaluated: 2022-06-30. Review status: criteria provided, single submitter. Criteria: GeneDx Variant Classification Process June 2021. Collection method: clinical testing. Allele origin: germline. Affected: yes.
Comment: Not observed at significant frequency in large population cohorts (gnomAD); In silico analysis supports that this missense variant has a deleterious effect on protein structure/function; Has not been previously published as pathogenic or benign to our knowledge; This variant is associated with the following publications: (PMID: 24363928)

Dr. Peter K. Rogan Lab, Western University
No classification provided (evidence only). Condition: Colorectal cancer. Review status: no classification provided. Collection method: in vitro. Allele origin: not applicable. Functional consequence: retained intron. Not counted in ClinVar's aggregate classification.